The following is an entry in ClinVar:

NM_015978.3(TNNI3K):c.1772G>C (p.Ser591Thr)

Genes: FPGT-TNNI3K (FPGT-TNNI3K readthrough; plus strand), TNNI3K (TNNI3 interacting kinase; plus strand). Cytogenetic location: 1p31.1.
Variant type: single nucleotide variant.
Coding change: c.1772G>C on transcript NM_015978.3 (MANE Select); coding-DNA position 1772, G replaced by C.
Protein change: p.Ser591Thr; replaces serine 591 with threonine.
Molecular consequence: missense variant.
Genome position (GRCh38, 1-based): chr1:74,370,392, G>C. VCF-style: chr1-74370392-G-C. GRCh37 (hg19) VCF-style: chr1-74836076-G-C.
Other names: p.Ser591Thr; c.1772G>C (NM_015978.2); c.2075G>C, p.Ser692Thr (NM_001112808.3, NM_001199327.2); short protein forms S591T, S692T.
Identifiers: ClinVar variation 1545733 (VCV001545733.43), dbSNP rs145260115, ClinGen allele CA909387.

ClinVar aggregate classification (germline): Conflicting classifications of pathogenicity. Review status: criteria provided, conflicting classifications (1 of 4 stars). 9 submissions from 9 submitters: Uncertain significance (1); Likely benign (7). 1 of the submissions does not count toward it. Last evaluated 2026-01-31.

Conditions:
TNNI3K-related disorder. Also called: TNNI3K-related condition.
Atrial conduction disease. Identifiers: Orphanet 436242, MedGen CN221670, MONDO:0014500.

Allele frequency attached by ClinVar (database versions not stated): 1000 Genomes Project 30x 0.00016; 1000 Genomes Project 0.00020; TOPMed 0.00100; gnomAD exomes 0.00102 and 0.00163; gnomAD 0.00108 and 0.00116; ExAC 0.00114; ESP Exome Variant Server 0.00169.
gnomAD v4.1: 2,494 of 1,602,342 alleles (0.16%); highest among the groups gnomAD compares: Non-Finnish European, 0.2%; no homozygotes.

Submissions (10):

Labcorp Genetics (formerly Invitae), Labcorp
Classification: Likely benign. Last evaluated: 2026-01-31. Review status: criteria provided, single submitter. Criteria: Invitae Variant Classification Sherloc (09022015). Collection method: clinical testing. Allele origin: germline.

Mayo Clinic Laboratories, Mayo Clinic
Classification: Uncertain significance. Last evaluated: 2025-11-25. Review status: criteria provided, single submitter. Criteria: ACMG Guidelines, 2015. Collection method: clinical testing. Allele origin: germline. Observed: 3 variant alleles.
Comment: BS1, PP3

Molecular Diagnostic Laboratory for Inherited Cardiovascular Disease, Montreal Heart Institute
Classification: Likely benign. Last evaluated: 2025-04-09. Review status: criteria provided, single submitter. Criteria: ACMG Guidelines, 2015. Collection method: clinical testing. Allele origin: germline. Affected: no.
Comment: BS1, BS3_supp, BP6

Blueprint Genetics
Classification: Likely benign. Last evaluated: 2024-11-22. Review status: criteria provided, single submitter. Criteria: ACMG Guidelines, 2015. Collection method: clinical testing. Allele origin: germline.

ARUP Laboratories, Molecular Genetics and Genomics, ARUP Laboratories
Classification: Likely benign for Cardiac conduction disease with or without dilated cardiomyopathy 1. Last evaluated: 2024-07-17. Review status: criteria provided, single submitter. Criteria: ARUP Molecular Germline Variant Investigation Process 2024. Collection method: clinical testing. Allele origin: germline.

CeGaT Center for Human Genetics Tuebingen
Classification: Likely benign. Last evaluated: 2023-12-01. Review status: criteria provided, single submitter. Criteria: CeGaT Center For Human Genetics Tuebingen Variant Classification Criteria Version 2. Collection method: clinical testing. Allele origin: germline. Affected: yes. Observed: 3 variant alleles.
Comment: TNNI3K: PP3, BS1

Genome-Nilou Lab
Classification: Likely benign for Cardiac conduction disease with or without dilated cardiomyopathy 1. Last evaluated: 2023-04-11. Review status: criteria provided, single submitter. Criteria: ACMG Guidelines, 2015. Collection method: clinical testing. Allele origin: germline. Affected: no.

Breakthrough Genomics
Classification: Likely benign. Review status: criteria provided, single submitter. Criteria: ACMG Guidelines, 2015. Collection method: not provided. Allele origin: germline. Inheritance: Autosomal dominant inheritance. Affected: yes.

PreventionGenetics, part of Exact Sciences
Classification: Likely benign for TNNI3K-related condition. Last evaluated: 2023-08-08. Review status: no assertion criteria provided. Collection method: clinical testing. Allele origin: germline. Not counted in ClinVar's aggregate classification.
Comment: This variant is classified as likely benign based on ACMG/AMP sequence variant interpretation guidelines (Richards et al. 2015 PMID: 25741868, with internal and published modifications).

Dr. Peter K. Rogan Lab, Western University
No classification provided (evidence only). Condition: Lymphoma. Review status: no classification provided. Collection method: in vitro. Allele origin: not applicable. Functional consequence: retained intron. Not counted in ClinVar's aggregate classification.

Literature cited by the submitters: PubMed 31589606 (cited by Mayo Clinic Laboratories, Mayo Clinic); PubMed 37199186 (cited by Mayo Clinic Laboratories, Mayo Clinic).